The following is an entry in ClinVar:

NM_014915.3(ANKRD26):c.1909G>A (p.Ala637Thr)

Gene: ANKRD26 (ankyrin repeat domain 26; minus strand). Cytogenetic location: 10p12.1.
Variant type: single nucleotide variant.
Coding change: c.1909G>A on transcript NM_014915.3 (MANE Select); coding-DNA position 1909, G replaced by A.
Protein change: p.Ala637Thr; replaces alanine 637 with threonine.
Molecular consequence: missense variant.
Genome position (GRCh38, 1-based): chr10:27,046,429, C>T on the plus strand (G>A on the coding strand, the complement: ANKRD26 is on the minus strand). VCF-style: chr10-27046429-C-T. GRCh37 (hg19) VCF-style: chr10-27335358-C-T.
Other names: c.1906G>A, p.Ala636Thr (NM_001256053.2); short protein forms A636T, A637T.
Identifiers: ClinVar variation 4860041 (VCV004860041.1).

ClinVar aggregate classification (germline): Uncertain significance (1 of 4 stars; one submission).

Conditions:
Inborn genetic diseases. Identifiers: MedGen C0950123, MeSH D030342.

Submission:

Ambry Genetics
Classification: Uncertain significance for Inborn genetic diseases. Last evaluated: 2026-06-12. Review status: criteria provided, single submitter. Criteria: Ambry Variant Classification Scheme 2023. Collection method: clinical testing. Allele origin: germline.
Comment: The p.A637T variant (also known as c.1909G>A), located in coding exon 18 of the ANKRD26 gene, results from a G to A substitution at nucleotide position 1909. The alanine at codon 637 is replaced by threonine, an amino acid with similar properties. This amino acid position is conserved. In addition, this alteration is predicted to be tolerated by in silico analysis. Based on the available evidence, the clinical significance of this variant remains unclear.